The following is an entry in ClinVar:

ClinVar aggregate classification (germline): Conflicting classifications of pathogenicity. Review status: criteria provided, conflicting classifications (1 of 4 stars). 3 submissions from 3 submitters: Uncertain significance (2); Likely benign (1). Last evaluated 2024-04-17.

Conditions:
Ciliary dyskinesia, primary, 40. Also called: CILIARY DYSKINESIA, PRIMARY, 40, WITH OR WITHOUT SITUS INVERSUS. Identifiers: MedGen C4749028, MONDO:0032664, OMIM 618300.
Inborn genetic diseases. Identifiers: MedGen C0950123, MeSH D030342.

Allele frequency attached by ClinVar (database versions not stated): gnomAD exomes 0.00005; gnomAD 0.00006; TOPMed 0.00007; ExAC 0.00011; 1000 Genomes Project 0.00080; 1000 Genomes Project 30x 0.00094.
gnomAD v4.1: 78 of 1,614,108 alleles (0.0048%); highest among the groups gnomAD compares: South Asian, 0.064%; no homozygotes.

Submissions (3):

Ambry Genetics
Classification: Likely benign for Inborn genetic diseases. Last evaluated: 2024-04-17. Review status: criteria provided, single submitter. Criteria: Ambry Variant Classification Scheme 2023. Collection method: clinical testing. Allele origin: germline.

Labcorp Genetics (formerly Invitae), Labcorp
Classification: Uncertain significance. Last evaluated: 2023-01-31. Review status: criteria provided, single submitter. Criteria: Invitae Variant Classification Sherloc (09022015). Collection method: clinical testing. Allele origin: germline.
Comment: This sequence change replaces asparagine, which is neutral and polar, with serine, which is neutral and polar, at codon 4016 of the DNAH9 protein (p.Asn4016Ser). This variant is present in population databases (rs547913025, gnomAD 0.06%). This variant has not been reported in the literature in individuals affected with DNAH9-related conditions. Advanced modeling of protein sequence and biophysical properties (such as structural, functional, and spatial information, amino acid conservation, physicochemical variation, residue mobility, and thermodynamic stability) performed at Invitae indicates that this missense variant is not expected to disrupt DNAH9 protein function. In summary, the available evidence is currently insufficient to determine the role of this variant in disease. Therefore, it has been classified as a Variant of Uncertain Significance.

Foundation for Research in Genetics and Endocrinology, FRIGE's Institute of Human Genetics
Classification: Uncertain significance for Ciliary dyskinesia, primary, 40. Review status: criteria provided, single submitter. Criteria: ACMG Guidelines, 2015. Collection method: clinical testing. Allele origin: germline. Inheritance: Autosomal recessive inheritance. Affected: yes. Observed: 1 heterozygote.
Comment: A heterozygous missense variant in exon 63 of the DNAH9 gene that results in substitution of serine was detected.Simultaneously, another heterozygous missense variant in exon 66 of the DNAH9 gene that results in substitution of cystine was detected. Variant c.12047A>G and c.12640G>T were detected with minor allele frequency of 0.1% and 0.25% in the gnomAD database, respectively. In silico prediction suggests both variants to be damaging by SIFT, PolyPhen, MutationTaster and CADD.

NM_001372.4(DNAH9):c.12047A>G (p.Asn4016Ser)

Gene: DNAH9 (dynein axonemal heavy chain 9; plus strand). Cytogenetic location: 17p12.
Variant type: single nucleotide variant.
Coding change: c.12047A>G on transcript NM_001372.4 (MANE Select); coding-DNA position 12047, A replaced by G.
Protein change: p.Asn4016Ser; replaces asparagine 4016 with serine.
Molecular consequence: missense variant.
Genome position (GRCh38, 1-based): chr17:11,930,035, A>G. VCF-style: chr17-11930035-A-G. GRCh37 (hg19) VCF-style: chr17-11833352-A-G.
Other names: p.Asn4016Ser; c.983A>G, p.Asn328Ser (NM_004662.2); c.12047A>G (NM_001372.3); short protein forms N328S, N4016S.
Identifiers: ClinVar variation 2446880 (VCV002446880.5), dbSNP rs547913025, ClinGen allele CA8398031.